The following is an entry in ClinVar:

ClinVar aggregate classification (germline): Pathogenic/Likely pathogenic. Review status: criteria provided, multiple submitters, no conflicts (2 of 4 stars). 3 submissions from 3 submitters: Pathogenic (1); Likely pathogenic (2). Last evaluated 2024-10-03.

Conditions:
Autosomal recessive nonsyndromic hearing loss 23. Identifiers: Orphanet 90636, MedGen C1836027, MONDO:0012293, OMIM 609533.
Usher syndrome type 1F (USH1F). Also called: USHER SYNDROME, TYPE IF. Identifiers: Orphanet 231169, Orphanet 886, MedGen C1865885, MONDO:0011186, OMIM 602083.

Allele frequency attached by ClinVar (database versions not stated): TOPMed below 0.00001.

Submissions (3):

Natera, Inc.
Classification: Likely pathogenic for Usher syndrome type 1F. Last evaluated: 2024-10-03. Review status: criteria provided, single submitter. Criteria: Natera Variant Classification Schema (03/2026). Collection method: clinical testing. Allele origin: germline.
Comment: The c.4201C>T variant in PCDH15 is a nonsense variant predicted to introduce a stop codon at amino acid 1401. This variant is expected to result in nonsense mediated decay, truncation, or a dysfunctional protein product. This variant is rare in the general population with a frequency below the threshold expected for the associated phenotype(s). Given the available evidence, this variant is classified as Likely Pathogenic.

Baylor Genetics
Classification: Likely pathogenic for Autosomal recessive nonsyndromic hearing loss 23. Last evaluated: 2024-01-17. Review status: criteria provided, single submitter. Criteria: ACMG Guidelines, 2015. Collection method: clinical testing. Allele origin: unknown.

Labcorp Genetics (formerly Invitae), Labcorp
Classification: Pathogenic. Last evaluated: 2023-11-17. Review status: criteria provided, single submitter. Criteria: Invitae Variant Classification Sherloc (09022015). Collection method: clinical testing. Allele origin: germline.
Comment: This sequence change creates a premature translational stop signal (p.Gln1401*) in the PCDH15 gene. It is expected to result in an absent or disrupted protein product. Loss-of-function variants in PCDH15 are known to be pathogenic (PMID: 11398101, 11487575, 14570705). This variant is not present in population databases (gnomAD no frequency). This variant has not been reported in the literature in individuals affected with PCDH15-related conditions. For these reasons, this variant has been classified as Pathogenic.

Literature cited by the submitters: PubMed 11398101 (cited by Labcorp Genetics (formerly Invitae), Labcorp); PubMed 11487575 (cited by Labcorp Genetics (formerly Invitae), Labcorp); PubMed 14570705 (cited by Labcorp Genetics (formerly Invitae), Labcorp).

NM_001384140.1(PCDH15):c.4201C>T (p.Gln1401Ter)

Gene: PCDH15 (protocadherin related 15; minus strand). Cytogenetic location: 10q21.1.
Variant type: single nucleotide variant.
Coding change: c.4201C>T on transcript NM_001384140.1 (MANE Select); coding-DNA position 4201, C replaced by T.
Protein change: p.Gln1401Ter; replaces glutamine 1401 with a stop codon.
Molecular consequence: nonsense.
Genome position (GRCh38, 1-based): chr10:53,831,316, G>A on the plus strand (C>T on the coding strand, the complement: PCDH15 is on the minus strand). VCF-style: chr10-53831316-G-A. GRCh37 (hg19) VCF-style: chr10-55591076-G-A.
Other names: c.4201C>T (NM_033056.3); c.4216C>T, p.Gln1406Ter (NM_001142763.2, NM_001142771.2); c.4201C>T, p.Gln1401Ter (NM_001142764.2, NM_001142766.2, NM_001142770.3 and 4 more transcripts); c.3988C>T, p.Gln1330Ter (NM_001142765.2); c.4090C>T, p.Gln1364Ter (NM_001142767.2); c.4135C>T, p.Gln1379Ter (NM_001142768.2, NM_001142773.2, NM_001354404.2); c.4237C>T, p.Gln1413Ter (NM_001142769.4); c.4222C>T, p.Gln1408Ter (NM_001354411.2); short protein forms Q1401*, Q1408*, Q1379*, Q1406*, Q1330*, Q1413*, Q1364*.
Identifiers: ClinVar variation 2766443 (VCV002766443.5), dbSNP rs2077002696, ClinGen allele CA376528167.